The following is an entry in ClinVar:

ClinVar aggregate classification (germline): Uncertain significance. Review status: criteria provided, multiple submitters, no conflicts (2 of 4 stars). 2 submissions from 2 submitters: Uncertain significance (2). Last evaluated 2025-09-11.

Allele frequency attached by ClinVar (database versions not stated): gnomAD exomes below 0.00001; ExAC 0.00001; gnomAD 0.00001; TOPMed 0.00001.
gnomAD v4.1: 7 of 1,613,716 alleles (0.00043%); highest among the groups gnomAD compares: Middle Eastern, 0.033%; no homozygotes.

Submissions (2):

Ambry Genetics
Classification: Uncertain significance. Last evaluated: 2025-09-11. Review status: criteria provided, single submitter. Criteria: Ambry Variant Classification Scheme 2023. Collection method: clinical testing. Allele origin: germline.

Labcorp Genetics (formerly Invitae), Labcorp
Classification: Uncertain significance. Last evaluated: 2024-04-08. Review status: criteria provided, single submitter. Criteria: Invitae Variant Classification Sherloc (09022015). Collection method: clinical testing. Allele origin: germline.
Comment: This sequence change replaces tyrosine, which is neutral and polar, with histidine, which is basic and polar, at codon 956 of the KIAA0556 protein (p.Tyr956His). This variant is present in population databases (rs755064137, gnomAD 0.0009%). This variant has not been reported in the literature in individuals affected with KIAA0556-related conditions. ClinVar contains an entry for this variant (Variation ID: 2414393). An algorithm developed to predict the effect of missense changes on protein structure and function (PolyPhen-2) suggests that this variant is likely to be tolerated. In summary, the available evidence is currently insufficient to determine the role of this variant in disease. Therefore, it has been classified as a Variant of Uncertain Significance.

NM_015202.5(KATNIP):c.2866T>C (p.Tyr956His)

Gene: KATNIP (katanin interacting protein; plus strand). Cytogenetic location: 16p12.1.
Variant type: single nucleotide variant.
Coding change: c.2866T>C on transcript NM_015202.5 (MANE Select); coding-DNA position 2866, T replaced by C.
Protein change: p.Tyr956His; replaces tyrosine 956 with histidine.
Molecular consequence: missense variant.
Genome position (GRCh38, 1-based): chr16:27,749,826, T>C. VCF-style: chr16-27749826-T-C. GRCh37 (hg19) VCF-style: chr16-27761147-T-C.
Other names: c.2866T>C (NM_015202.2); short protein forms Y956H.
Identifiers: ClinVar variation 2414393 (VCV002414393.7), dbSNP rs755064137, ClinGen allele CA7978085.